The following is an entry in ClinVar:

NM_002485.5(NBN):c.2242C>T (p.Pro748Ser)

Gene: NBN (nibrin; minus strand). Cytogenetic location: 8q21.3.
Variant type: single nucleotide variant.
Coding change: c.2242C>T on transcript NM_002485.5 (MANE Select); coding-DNA position 2242, C replaced by T.
Protein change: p.Pro748Ser; replaces proline 748 with serine.
Molecular consequence: missense variant.
Genome position (GRCh38, 1-based): chr8:89,935,605, G>A on the plus strand (C>T on the coding strand, the complement: NBN is on the minus strand). VCF-style: chr8-89935605-G-A. GRCh37 (hg19) VCF-style: chr8-90947833-G-A.
Other names: c.1996C>T, p.Pro666Ser (NM_001024688.3); short protein forms P666S, P748S.
Identifiers: ClinVar variation 1034984 (VCV001034984.9), dbSNP rs1809633675, ClinGen allele CA371674709.

ClinVar aggregate classification (germline): Uncertain significance (1 of 4 stars; one submission).

Conditions:
Microcephaly, normal intelligence and immunodeficiency (NBS). Also called: SEEMANOVA SYNDROME II; Immunodeficiency, microcephaly with normal intelligence; IMMUNODEFICIENCY, MICROCEPHALY, AND CHROMOSOMAL INSTABILITY; Nijmegen breakage syndrome; Microcephaly with normal intelligence immunodeficiency and lymphoreticular malignancies; Nonsyndromal microcephaly autosomal recessive with normal intelligence. Identifiers: Orphanet 647, MedGen C0398791, MONDO:0009623, OMIM 251260.

Submission:

Labcorp Genetics (formerly Invitae), Labcorp
Classification: Uncertain significance for Microcephaly, normal intelligence and immunodeficiency. Last evaluated: 2020-02-11. Review status: criteria provided, single submitter. Criteria: Invitae Variant Classification Sherloc (09022015). Collection method: clinical testing. Allele origin: germline.
Comment: This sequence change replaces proline with serine at codon 748 of the NBN protein (p.Pro748Ser). The proline residue is moderately conserved and there is a moderate physicochemical difference between proline and serine. This variant is not present in population databases (ExAC no frequency). This variant has not been reported in the literature in individuals with NBN-related conditions. Algorithms developed to predict the effect of missense changes on protein structure and function are either unavailable or do not agree on the potential impact of this missense change (SIFT: "Tolerated"; PolyPhen-2: "Possibly Damaging"; Align-GVGD: "Class C0"). In summary, the available evidence is currently insufficient to determine the role of this variant in disease. Therefore, it has been classified as a Variant of Uncertain Significance.